The following is an entry in ClinVar:

NM_020366.4(RPGRIP1):c.490+6A>T

Gene: RPGRIP1 (RPGR interacting protein 1; plus strand). Cytogenetic location: 14q11.2.
Variant type: single nucleotide variant.
Coding change: c.490+6A>T on transcript NM_020366.4 (MANE Select); 6 bases into the intron after coding-DNA position 490, A replaced by T.
Molecular consequence: intron variant.
Genome position (GRCh38, 1-based): chr14:21,301,243, A>T. VCF-style: chr14-21301243-A-T. GRCh37 (hg19) VCF-style: chr14-21769402-A-T.
Identifiers: ClinVar variation 2135608 (VCV002135608.4), dbSNP rs2502705994, ClinGen allele CA2580087932.
Genomic context (GRCh38, chr14:21,301,243, plus strand): 5'-GGACACAGACAGCTCCACACAGCCGGTGCACCGGTGCCGGAGAAACCCAAGAGGGGTGAG[A>T]TTTAAGGCTACATCCCCTACAGGGCTAAGACACTGGGAAGGACTGATGTGCCAGCCACGT-3'

ClinVar aggregate classification (germline): Uncertain significance (1 of 4 stars; one submission).

Conditions:
Leber congenital amaurosis 6 (LCA6). Identifiers: Orphanet 65, MedGen C1854260, MONDO:0013446, OMIM 613826.
Cone-rod dystrophy 13 (CORD13). Identifiers: Orphanet 1872, MedGen C2750720, MONDO:0011987, OMIM 608194.

Allele frequency attached by ClinVar (database versions not stated): gnomAD exomes below 0.00001.
gnomAD v4.1: 2 of 1,578,140 alleles (0.00013%); highest among the groups gnomAD compares: South Asian, 0.0012%; no homozygotes.

Submission:

Labcorp Genetics (formerly Invitae), Labcorp
Classification: Uncertain significance for Leber congenital amaurosis 6; Cone-rod dystrophy 13. Last evaluated: 2022-05-08. Review status: criteria provided, single submitter. Criteria: Invitae Variant Classification Sherloc (09022015). Collection method: clinical testing. Allele origin: germline.
Comment: In summary, the available evidence is currently insufficient to determine the role of this variant in disease. Therefore, it has been classified as a Variant of Uncertain Significance. Variants that disrupt the consensus splice site are a relatively common cause of aberrant splicing (PMID: 17576681, 9536098). Algorithms developed to predict the effect of sequence changes on RNA splicing suggest that this variant is not likely to affect RNA splicing. This variant has not been reported in the literature in individuals affected with RPGRIP1-related conditions. This variant is not present in population databases (gnomAD no frequency). This sequence change falls in intron 3 of the RPGRIP1 gene. It does not directly change the encoded amino acid sequence of the RPGRIP1 protein. It affects a nucleotide within the consensus splice site.

Literature cited by the submitters: PubMed 17576681; PubMed 9536098.